The following is an entry in ClinVar:

NM_020457.3(THAP11):c.783G>A (p.Leu261=)

Genes: CENPT (centromere protein T; minus strand), THAP11 (THAP domain containing 11; plus strand). Cytogenetic location: 16q22.1.
Variant type: single nucleotide variant.
Coding change: c.783G>A on transcript NM_020457.3 (MANE Select); coding-DNA position 783, G replaced by A.
Protein change: p.Leu261=; no amino-acid change (leucine 261 retained).
Molecular consequence: synonymous variant. On other transcripts: intron variant (1).
Genome position (GRCh38, 1-based): chr16:67,843,337, G>A. VCF-style: chr16-67843337-G-A. GRCh37 (hg19) VCF-style: chr16-67877240-G-A.
Other names: c.-492+4064C>T (NM_025082.4).
Identifiers: ClinVar variation 4761553 (VCV004761553.1).

ClinVar aggregate classification (germline): Uncertain significance (1 of 4 stars; one submission).

Submission:

Labcorp Genetics (formerly Invitae), Labcorp
Classification: Uncertain significance. Last evaluated: 2025-05-12. Review status: criteria provided, single submitter. Criteria: Invitae Variant Classification Sherloc (09022015). Collection method: clinical testing. Allele origin: germline.
Comment: This sequence change affects codon 261 of the THAP11 mRNA. It is a 'silent' change, meaning that it does not change the encoded amino acid sequence of the THAP11 protein. This variant is not present in population databases (gnomAD no frequency). This variant has not been reported in the literature in individuals affected with THAP11-related conditions. In summary, the available evidence is currently insufficient to determine the role of this variant in disease. Therefore, it has been classified as a Variant of Uncertain Significance.